The following is an entry in ClinVar:

NM_002617.4(PEX10):c.24_25insTGCG (p.Pro9fs)

Gene: PEX10 (peroxisomal biogenesis factor 10; minus strand). Cytogenetic location: 1p36.32.
Variant type: Insertion.
Coding change: c.24_25insTGCG on transcript NM_002617.4 (MANE Select); coding-DNA positions 24 to 25, TGCG inserted.
Protein change: p.Pro9fs; shifts the reading frame from proline 9.
Molecular consequence: frameshift variant. On other transcripts: intron variant (2).
Genome position: GRCh38 VCF-style: chr1-2412478-G-GCGCA. GRCh37 (hg19) VCF-style: chr1-2343917-G-GCGCA.
Other names: c.24_25insTGCG, p.Pro9fs (NM_001374425.1, NM_153818.2); c.-321+1118_-321+1119insTGCG (NM_001374427.1, NM_001374426.1); short protein forms P9fs.
Identifiers: ClinVar variation 5012758 (VCV005012758.1).

ClinVar aggregate classification (germline): Pathogenic (1 of 4 stars; one submission).

Conditions:
Peroxisome biogenesis disorder. Identifiers: Orphanet 79189, MedGen C1832200, MONDO:0019234. Disease mechanism: loss of function.

Submission:

Myriad Genetics, Inc.
Classification: Pathogenic for Peroxisome biogenesis disorder. Last evaluated: 2024-02-19. Review status: criteria provided, single submitter. Criteria: Myriad Autosomal Dominant, Autosomal Recessive and X-Linked Classification Criteria (2023). Collection method: clinical testing. Allele origin: unknown.
Comment: NM_153818.1(PEX10):c.24_25insTGCG(P9Cfs*43) is expected to be pathogenic in the context of peroxisome biogenesis disorder type 6. This variant is predicted to lead to an abnormal or absent protein product due to the creation of a premature termination codon in PEX10, a gene where loss-of-function variants are known to be pathogenic. Please note: this variant was assessed in the context of healthy population screening.